The following is an entry in ClinVar:

ClinVar aggregate classification (germline): Uncertain significance (1 of 4 stars; one submission).

gnomAD v4.1: 27 of 1,613,742 alleles (0.0017%); highest among the groups gnomAD compares: Non-Finnish European, 0.0022%; no homozygotes.

Submission:

Labcorp Genetics (formerly Invitae), Labcorp
Classification: Uncertain significance. Last evaluated: 2022-06-27. Review status: criteria provided, single submitter. Criteria: Invitae Variant Classification Sherloc (09022015). Collection method: clinical testing. Allele origin: germline.
Comment: This sequence change replaces proline, which is neutral and non-polar, with arginine, which is basic and polar, at codon 957 of the ADAMTSL4 protein (p.Pro957Arg). This variant is not present in population databases (gnomAD no frequency). This variant has not been reported in the literature in individuals affected with ADAMTSL4-related conditions. Algorithms developed to predict the effect of missense changes on protein structure and function are either unavailable or do not agree on the potential impact of this missense change (SIFT: "Deleterious"; PolyPhen-2: "Benign"; Align-GVGD: "Class C65"). Algorithms developed to predict the effect of sequence changes on RNA splicing suggest that this variant may create or strengthen a splice site. In summary, the available evidence is currently insufficient to determine the role of this variant in disease. Therefore, it has been classified as a Variant of Uncertain Significance.

NM_019032.6(ADAMTSL4):c.2870C>G (p.Pro957Arg)

Gene: ADAMTSL4 (ADAMTS like 4; plus strand). Cytogenetic location: 1q21.2.
Variant type: single nucleotide variant.
Coding change: c.2870C>G on transcript NM_019032.6 (MANE Select); coding-DNA position 2870, C replaced by G.
Protein change: p.Pro957Arg; replaces proline 957 with arginine.
Molecular consequence: missense variant.
Genome position (GRCh38, 1-based): chr1:150,559,393, C>G. VCF-style: chr1-150559393-C-G. GRCh37 (hg19) VCF-style: chr1-150531869-C-G.
Other names: c.2753C>G, p.Pro918Arg (NM_001288607.2); c.2939C>G, p.Pro980Arg (NM_001288608.2); c.2870C>G, p.Pro957Arg (NM_001378596.1); short protein forms P957R, P980R, P918R.
Identifiers: ClinVar variation 1443669 (VCV001443669.3), dbSNP rs587743126, ClinGen allele CA342317557.